The following is an entry in ClinVar:

ClinVar aggregate classification (germline): Uncertain significance. Review status: criteria provided, multiple submitters, no conflicts (2 of 4 stars). 6 submissions from 6 submitters: Uncertain significance (6). Last evaluated 2025-12-02.

Conditions:
Pheochromocytoma. Also called: MAX-Related Hereditary Paraganglioma-Pheochromocytoma Syndrome. Identifiers: Orphanet 29072, MedGen C0031511, MONDO:0008233, OMIM 171300, HP:0002666.
Familial medullary thyroid carcinoma (MTC). Also called: Thyroid cancer, familial medullary; MTC, familial; Familial Medullary Thyroid Carcinoma (FMTC). Identifiers: Orphanet 653, Orphanet 99361, MedGen C1833921, MONDO:0007958, OMIM 155240.
Multiple endocrine neoplasia type 2B. Also called: Multiple endocrine neoplasia, type 3; MULTIPLE ENDOCRINE NEOPLASIA, TYPE IIB; MUCOSAL NEUROMA SYNDROME; MEN 2B; Multiple Endocrine Neoplasia Type 2B (MEN2B); MEN IIB. Identifiers: Orphanet 247709, Orphanet 653, MedGen C0025269, MeSH D018814, MONDO:0008082, OMIM 162300.
Multiple endocrine neoplasia type 2A. Also called: MULTIPLE ENDOCRINE NEOPLASIA, TYPE IIA; PTC SYNDROME; SIPPLE SYNDROME; MEN 2A; MEN-2A syndrome; Pheochromocytoma and amyloid producing medullary thyroid carcinoma. Identifiers: Orphanet 247698, Orphanet 653, MedGen C0025268, MeSH D018813, MONDO:0008234, OMIM 171400.
Hirschsprung disease, susceptibility to, 1 (HSCR1). Also called: RET-Related Hirschsprung Disease. Identifiers: Orphanet 388, MedGen C3888239, MONDO:0007723, OMIM 142623.
Hereditary cancer-predisposing syndrome. Also called: Neoplastic Syndromes, Hereditary; Hereditary Cancer Syndrome; Tumor predisposition; Hereditary neoplastic syndrome. Identifiers: Orphanet 140162, MedGen C0027672, MeSH D009386, MONDO:0015356.
Multiple endocrine neoplasia, type 2 (MEN2). Identifiers: Orphanet 653, MedGen C4048306, MONDO:0019003. Disease mechanism: gain of function.

Allele frequency attached by ClinVar (database versions not stated): gnomAD exomes below 0.00001; gnomAD 0.00001; ExAC 0.00002; 1000 Genomes Project 30x 0.00016; 1000 Genomes Project 0.00020.

Submissions (6):

Ambry Genetics
Classification: Uncertain significance for Hereditary cancer-predisposing syndrome. Last evaluated: 2025-12-02. Review status: criteria provided, single submitter. Criteria: Ambry Variant Classification Scheme 2023. Collection method: clinical testing. Allele origin: germline.
Comment: The p.V906M variant (also known as c.2716G>A), located in coding exon 15 of the RET gene, results from a G to A substitution at nucleotide position 2716. The valine at codon 906 is replaced by methionine, an amino acid with highly similar properties. This amino acid position is highly conserved in available vertebrate species. In addition, the in silico prediction for this alteration is inconclusive. Based on the available evidence, the clinical significance of this variant remains unclear.

Color Diagnostics, LLC DBA Color Health
Classification: Uncertain significance for Multiple endocrine neoplasia, type 2. Last evaluated: 2025-07-29. Review status: criteria provided, single submitter. Criteria: ACMG Guidelines, 2015. Collection method: clinical testing. Allele origin: germline.
Comment: This missense variant replaces valine with methionine at codon 906 of the RET protein. Computational prediction is inconclusive regarding the impact of this variant on protein structure and function. To our knowledge, functional studies have not been reported for this variant. This variant has not been reported in individuals affected with RET-related disorders in the literature. This variant has been identified in 1/249972 chromosomes in the general population by the Genome Aggregation Database (gnomAD). The available evidence is insufficient to determine the role of this variant in disease conclusively. Therefore, this variant is classified as a Variant of Uncertain Significance.

Labcorp Genetics (formerly Invitae), Labcorp
Classification: Uncertain significance for Multiple endocrine neoplasia, type 2. Last evaluated: 2024-07-08. Review status: criteria provided, single submitter. Criteria: Invitae Variant Classification Sherloc (09022015). Collection method: clinical testing. Allele origin: germline.
Comment: This sequence change replaces valine, which is neutral and non-polar, with methionine, which is neutral and non-polar, at codon 906 of the RET protein (p.Val906Met). This variant is present in population databases (rs200627072, gnomAD 0.0009%). This variant has not been reported in the literature in individuals affected with RET-related conditions. ClinVar contains an entry for this variant (Variation ID: 560867). An algorithm developed to predict the effect of missense changes on protein structure and function (PolyPhen-2) suggests that this variant is likely to be disruptive. In summary, the available evidence is currently insufficient to determine the role of this variant in disease. Therefore, it has been classified as a Variant of Uncertain Significance.

Fulgent Genetics
Classification: Uncertain significance for Hirschsprung disease, susceptibility to, 1; Familial medullary thyroid carcinoma; Multiple endocrine neoplasia type 2B; Pheochromocytoma; Multiple endocrine neoplasia type 2A. Last evaluated: 2024-06-11. Review status: criteria provided, single submitter. Criteria: ACMG Guidelines, 2015. Collection method: clinical testing. Allele origin: germline.

All of Us Research Program, National Institutes of Health
Classification: Uncertain significance for Multiple endocrine neoplasia, type 2. Last evaluated: 2023-06-26. Review status: criteria provided, single submitter. Criteria: ACMG Guidelines, 2015. Collection method: clinical testing. Allele origin: germline. Inheritance: Autosomal dominant inheritance. Observed: 1 variant allele, 1 heterozygote.
Comment: This missense variant replaces valine with methionine at codon 906 of the RET protein. Computational prediction is inconclusive regarding the impact of this variant on protein structure and function (internally defined REVEL score threshold 0.5 < inconclusive < 0.7, PMID: 27666373). To our knowledge, functional studies have not been reported for this variant. This variant has not been reported in individuals affected with RET-related disorders in the literature. This variant has been identified in 1/249972 chromosomes in the general population by the Genome Aggregation Database (gnomAD). The available evidence is insufficient to determine the role of this variant in disease conclusively. Therefore, this variant is classified as a Variant of Uncertain Significance.

This study involves interpretation of variants in research participants for the purpose of population health screening. Participant phenotype was not available at the time of variant classification. Additional details can be found in publication PMID: 35346344, PMCID: PMC8962531

PreventionGenetics, part of Exact Sciences
Classification: Uncertain significance. Last evaluated: 2016-11-22. Review status: criteria provided, single submitter. Criteria: ACMG Guidelines, 2015. Collection method: clinical testing. Allele origin: germline.

NM_020975.6(RET):c.2716G>A (p.Val906Met)

Gene: RET (ret proto-oncogene; plus strand). Cytogenetic location: 10q11.21.
Variant type: single nucleotide variant.
Coding change: c.2716G>A on transcript NM_020975.6 (MANE Select); coding-DNA position 2716, G replaced by A.
Protein change: p.Val906Met; replaces valine 906 with methionine.
Molecular consequence: missense variant.
Genome position (GRCh38, 1-based): chr10:43,120,189, G>A. VCF-style: chr10-43120189-G-A. GRCh37 (hg19) VCF-style: chr10-43615637-G-A.
Other names: c.2716G>A, p.Val906Met (NM_000323.2, NM_001406743.1, NM_001406744.1 and 4 more transcripts); c.1954G>A, p.Val652Met (NM_001355216.2); c.2587G>A, p.Val863Met (NM_001406761.1, NM_001406762.1, NM_001406764.1); c.2581G>A, p.Val861Met (NM_001406763.1, NM_001406765.1); c.2428G>A, p.Val810Met (NM_001406766.1, NM_001406767.1, NM_001406770.1); c.2452G>A, p.Val818Met (NM_001406768.1); c.1819G>A, p.Val607Met (NM_001406779.1, NM_001406780.1, NM_001406781.1 and 1 more transcripts); c.1690G>A, p.Val564Met (NM_001406783.1, NM_001406786.1); and 10 more; short protein forms V906M, V652M, V423M, V664M, V810M, V818M, V567M, V607M.
Identifiers: ClinVar variation 560867 (VCV000560867.12), dbSNP rs200627072, ClinGen allele CA040531.